The following is an entry in ClinVar:

NM_001110219.3(GJB6):c.310C>T (p.Arg104Cys)

Gene: GJB6 (gap junction protein beta 6; minus strand). Cytogenetic location: 13q12.11.
Variant type: single nucleotide variant.
Coding change: c.310C>T on transcript NM_001110219.3 (MANE Select); coding-DNA position 310, C replaced by T.
Protein change: p.Arg104Cys; replaces arginine 104 with cysteine.
Molecular consequence: missense variant.
Genome position (GRCh38, 1-based): chr13:20,223,171, G>A on the plus strand (C>T on the coding strand, the complement: GJB6 is on the minus strand). VCF-style: chr13-20223171-G-A. GRCh37 (hg19) VCF-style: chr13-20797310-G-A.
Other names: c.310C>T, p.Arg104Cys (NM_001110220.3, NM_001110221.3, NM_001370090.1 and 3 more transcripts); short protein forms R104C.
Identifiers: ClinVar variation 2935655 (VCV002935655.3), dbSNP rs765805775, ClinGen allele CA6904471.
Genomic context (GRCh38, chr13:20,223,171, plus strand): 5'-GCTTTTTAATGTCCTCTATGTCTTTGAAATCATTCCTCTTCTCTCCTCGCCTGAACTTGC[G>A]AGTGGTTTCGTGCCTGTAGTAGGCCACATGCATGGCCACCAGCAGCGCTGGGGTGGAGAC-3'
Protein context (NP_001103689.1, residues 94-114): HVAYYRHETT[Arg104Cys]KFRRGEKRND

ClinVar aggregate classification (germline): Uncertain significance (1 of 4 stars; one submission).

Conditions:
Autosomal dominant nonsyndromic hearing loss 3B. Identifiers: Orphanet 90635, MedGen C2675237, MONDO:0012975, OMIM 612643.
Autosomal recessive nonsyndromic hearing loss 1A (DFNB1A). Also called: Connexin 26 deafness; Deafness nonsyndromic, Connexin 26 linked; GJB6-Related DFNB 1 Nonsyndromic Hearing Loss and Deafness; Deafness, autosomal recessive 1A; Nonsyndromic Hearing Loss and Deafness, DFNB1; GJB2-Related Autosomal Recessive Nonsyndromic Hearing Loss. Identifiers: Orphanet 90636, MedGen C2673759, MONDO:0009076, OMIM 220290.
Autosomal recessive nonsyndromic hearing loss 1B. Also called: DEAFNESS, AUTOSOMAL RECESSIVE 1B. Identifiers: Orphanet 90636, MedGen C2675235, MONDO:0012977, OMIM 612645.
Hidrotic ectodermal dysplasia syndrome (GJB6). Also called: CLOUSTON HIDROTIC ECTODERMAL DYSPLASIA; Ectodermal dysplasia 2, hidrotic; Autosomal dominant hidrotic ectodermal dysplasia; Clouston syndrome; Clouston's hidrotic ectodermal dysplasia; ECTODERMAL DYSPLASIA 2, CLOUSTON TYPE. Identifiers: Orphanet 189, MedGen C0162361, MONDO:0007510, OMIM 129500.

gnomAD v4.1: 3 of 1,613,458 alleles (0.00019%); highest among the groups gnomAD compares: Non-Finnish European, 0.00025%; no homozygotes.

Submission:

Labcorp Genetics (formerly Invitae), Labcorp
Classification: Uncertain significance for Autosomal dominant nonsyndromic hearing loss 3B; Hidrotic ectodermal dysplasia syndrome; Autosomal recessive nonsyndromic hearing loss 1B; Autosomal recessive nonsyndromic hearing loss 1A. Last evaluated: 2023-01-19. Review status: criteria provided, single submitter. Criteria: Invitae Variant Classification Sherloc (09022015). Collection method: clinical testing. Allele origin: germline.
Comment: In summary, the available evidence is currently insufficient to determine the role of this variant in disease. Therefore, it has been classified as a Variant of Uncertain Significance. Advanced modeling of protein sequence and biophysical properties (such as structural, functional, and spatial information, amino acid conservation, physicochemical variation, residue mobility, and thermodynamic stability) performed at Invitae indicates that this missense variant is not expected to disrupt GJB6 protein function. This variant has not been reported in the literature in individuals affected with GJB6-related conditions. This variant is present in population databases (rs765805775, gnomAD 0.0009%). This sequence change replaces arginine, which is basic and polar, with cysteine, which is neutral and slightly polar, at codon 104 of the GJB6 protein (p.Arg104Cys).